The following is an entry in ClinVar:

ClinVar aggregate classification (germline): Pathogenic (1 of 4 stars; one submission).

Submission:

GeneDx
Classification: Pathogenic. Last evaluated: 2017-03-09. Review status: criteria provided, single submitter. Criteria: GeneDx Variant Classification (06012015). Collection method: clinical testing. Allele origin: germline. Affected: yes.
Comment: The c.1586+1 G>T splice site variant in the PHEX gene destroys the canonical splice donor site in intron 14. It is predicted to cause abnormal gene splicing, either leading to an abnormal message that is subject to nonsense-mediated mRNA decay, or to an abnormal protein product if the message is used for protein translation. The c.1586+1 G>T variant is not observed in large population cohorts (Lek et al., 2016; 1000 Genomes Consortium et al., 2015; Exome Variant Server). Additionally, other splice variants affecting the same exon (c.1586+1 G>A, c.1586+6 T>C) and intron (c.1587-1 G>C) have been observed in the Human Gene Mutation Database in association with hypophosphatemic rickets (Stenson et al., 2014).

NM_000444.6(PHEX):c.1586+1G>T

Gene: PHEX (phosphate regulating endopeptidase X-linked; plus strand). Cytogenetic location: Xp22.11.
Variant type: single nucleotide variant.
Coding change: c.1586+1G>T on transcript NM_000444.6 (MANE Select); the canonical splice donor site of the intron after coding-DNA position 1586, G replaced by T.
Molecular consequence: splice donor variant.
Genome position (GRCh38, 1-based): chrX:22,178,377, G>T. VCF-style: chrX-22178377-G-T. GRCh37 (hg19) VCF-style: chrX-22196494-G-T.
Other names: c.1586+1G>T (NM_001282754.2).
Identifiers: ClinVar variation 424354 (VCV000424354.2), dbSNP rs1064796928, ClinGen allele CA16621326.